The following is an entry in ClinVar:

NM_001184880.2(PCDH19):c.792T>C (p.Asp264=)

Gene: PCDH19 (protocadherin 19; minus strand). Cytogenetic location: Xq22.1.
Variant type: single nucleotide variant.
Coding change: c.792T>C on transcript NM_001184880.2 (MANE Select); coding-DNA position 792, T replaced by C.
Protein change: p.Asp264=; no amino-acid change (aspartic acid 264 retained).
Molecular consequence: synonymous variant.
Genome position (GRCh38, 1-based): chrX:100,407,806, A>G on the plus strand (T>C on the coding strand, the complement: PCDH19 is on the minus strand). VCF-style: chrX-100407806-A-G. GRCh37 (hg19) VCF-style: chrX-99662804-A-G.
Other names: c.792T>C, p.Asp264= (NM_001105243.2, NM_020766.3).
Identifiers: ClinVar variation 669289 (VCV000669289.9), dbSNP rs373181586, ClinGen allele CA10468952.
Genomic context (GRCh38, chrX:100,407,806, plus strand): 5'-GCGGTCGTTGACGTAGCCATAGAAGGAGTAGACCACCTGGCCGTTGGTGCCCTCGTCTGG[A>G]TCGCTGGCGTTGAGGCGGATGACGGGTGTGTTGGGAGGCGAGTTTTCTGGCACGCTCACC-3'
Protein context (NP_001171809.1, residues 254-274): NTPVIRLNAS[Asp264=]PDEGTNGQVV

ClinVar aggregate classification (germline): Likely benign. Review status: criteria provided, multiple submitters, no conflicts (2 of 4 stars). 2 submissions from 2 submitters: Likely benign (2). Last evaluated 2025-12-13.

Conditions:
Developmental and epileptic encephalopathy, 9 (DEE9). Also called: PCDH19-Related X-Linked Female-Limited Epilepsy with Mental Retardation; EPILEPSY, FEMALE-RESTRICTED, WITH MENTAL RETARDATION; Early infantile epileptic encephalopathy 9; JUBERG-HELLMAN SYNDROME. Identifiers: Orphanet 101039, Orphanet 2076, MedGen C1848137, MONDO:0010246, OMIM 300088. Disease mechanism: loss of function.

Allele frequency attached by ClinVar (database versions not stated): ExAC 0.00002; gnomAD 0.00006 and 0.00007; ESP Exome Variant Server 0.00010; gnomAD exomes below 0.00001 and 0.00001; TOPMed 0.00007.
gnomAD v4.1: 11 of 1,211,046 alleles (0.00091%); highest among the groups gnomAD compares: African/African-American, 0.019%; no homozygotes.

Submissions (2):

Labcorp Genetics (formerly Invitae), Labcorp
Classification: Likely benign for Developmental and epileptic encephalopathy, 9. Last evaluated: 2025-12-13. Review status: criteria provided, single submitter. Criteria: Invitae Variant Classification Sherloc (09022015). Collection method: clinical testing. Allele origin: germline.

GeneDx
Classification: Likely benign. Last evaluated: 2018-04-09. Review status: criteria provided, single submitter. Criteria: GeneDx Variant Classification (06012015). Collection method: clinical testing. Allele origin: germline. Affected: yes.
Comment: This variant is considered likely benign or benign based on one or more of the following criteria: it is a conservative change, it occurs at a poorly conserved position in the protein, it is predicted to be benign by multiple in silico algorithms, and/or has population frequency not consistent with disease.